The following is an entry in ClinVar:

ClinVar aggregate classification (germline): Uncertain significance. Review status: criteria provided, multiple submitters, no conflicts (2 of 4 stars). 4 submissions from 4 submitters: Uncertain significance (4). Last evaluated 2025-02-23.

Conditions:
Inborn genetic diseases. Identifiers: MedGen C0950123, MeSH D030342.

Allele frequency attached by ClinVar (database versions not stated): gnomAD 0.00005; TOPMed 0.00005; ExAC 0.00007; gnomAD exomes 0.00014; 1000 Genomes Project 30x 0.00016; 1000 Genomes Project 0.00020.
gnomAD v4.1: 225 of 1,614,182 alleles (0.014%); highest among the groups gnomAD compares: Non-Finnish European, 0.018%; no homozygotes.

Submissions (4):

Ambry Genetics
Classification: Uncertain significance for Inborn genetic diseases. Last evaluated: 2025-02-23. Review status: criteria provided, single submitter. Criteria: Ambry Variant Classification Scheme 2023. Collection method: clinical testing. Allele origin: germline.

Labcorp Genetics (formerly Invitae), Labcorp
Classification: Uncertain significance. Last evaluated: 2024-11-04. Review status: criteria provided, single submitter. Criteria: Invitae Variant Classification Sherloc (09022015). Collection method: clinical testing. Allele origin: germline.
Comment: This sequence change replaces isoleucine, which is neutral and non-polar, with valine, which is neutral and non-polar, at codon 691 of the NDUFS1 protein (p.Ile691Val). This variant is present in population databases (rs1127600, gnomAD 0.009%). This variant has not been reported in the literature in individuals affected with NDUFS1-related conditions. ClinVar contains an entry for this variant (Variation ID: 2462447). Invitae Evidence Modeling of protein sequence and biophysical properties (such as structural, functional, and spatial information, amino acid conservation, physicochemical variation, residue mobility, and thermodynamic stability) indicates that this missense variant is not expected to disrupt NDUFS1 protein function with a negative predictive value of 95%. In summary, the available evidence is currently insufficient to determine the role of this variant in disease. Therefore, it has been classified as a Variant of Uncertain Significance.

Blueprint Genetics
Classification: Uncertain significance. Last evaluated: 2024-08-02. Review status: criteria provided, single submitter. Criteria: ACMG Guidelines, 2015. Collection method: clinical testing. Allele origin: germline.

GeneDx
Classification: Uncertain significance. Last evaluated: 2023-06-08. Review status: criteria provided, single submitter. Criteria: GeneDx Variant Classification Process June 2021. Collection method: clinical testing. Allele origin: germline. Affected: yes.
Comment: Not observed at significant frequency in large population cohorts (gnomAD); In silico analysis supports that this missense variant does not alter protein structure/function; Has not been previously published as pathogenic or benign to our knowledge

NM_005006.7(NDUFS1):c.2071A>G (p.Ile691Val)

Gene: NDUFS1 (NADH:ubiquinone oxidoreductase core subunit S1; minus strand). Cytogenetic location: 2q33.3.
Variant type: single nucleotide variant.
Coding change: c.2071A>G on transcript NM_005006.7 (MANE Select); coding-DNA position 2071, A replaced by G.
Protein change: p.Ile691Val; replaces isoleucine 691 with valine.
Molecular consequence: missense variant.
Genome position (GRCh38, 1-based): chr2:206,126,560, T>C on the plus strand (A>G on the coding strand, the complement: NDUFS1 is on the minus strand). VCF-style: chr2-206126560-T-C. GRCh37 (hg19) VCF-style: chr2-206991284-T-C.
Other names: c.1963A>G, p.Ile655Val (NM_001199981.2); c.1738A>G, p.Ile580Val (NM_001199982.2); c.1900A>G, p.Ile634Val (NM_001199983.2); c.2113A>G, p.Ile705Val (NM_001199984.2); c.2071A>G (NM_005006.5); short protein forms I655V, I691V, I634V, I580V, I705V.
Identifiers: ClinVar variation 2462447 (VCV002462447.7), dbSNP rs1127600, ClinGen allele CA2070279.